The following is an entry in ClinVar:

ClinVar aggregate classification (germline): Likely benign. Review status: criteria provided, multiple submitters, no conflicts (2 of 4 stars). 3 submissions from 3 submitters: Likely benign (3). Last evaluated 2024-05-21.

Conditions:
MPDU1-congenital disorder of glycosylation. Also called: CONGENITAL DISORDER OF GLYCOSYLATION, TYPE If; CDG If; MPDU1-CDG. Identifiers: Orphanet 79323, MedGen C1836669, MONDO:0012211, OMIM 609180.

Allele frequency attached by ClinVar (database versions not stated): ExAC 0.00001; gnomAD 0.00001; gnomAD exomes 0.00002 and 0.00004; TOPMed 0.00004.
gnomAD v4.1: 37 of 1,613,732 alleles (0.0023%); highest among the groups gnomAD compares: African/African-American, 0.0013%; no homozygotes.

Submissions (3):

Blueprint Genetics
Classification: Likely benign. Last evaluated: 2024-05-21. Review status: criteria provided, single submitter. Criteria: ACMG Guidelines, 2015. Collection method: clinical testing. Allele origin: germline.

Labcorp Genetics (formerly Invitae), Labcorp
Classification: Likely benign for MPDU1-congenital disorder of glycosylation. Last evaluated: 2024-01-06. Review status: criteria provided, single submitter. Criteria: Invitae Variant Classification Sherloc (09022015). Collection method: clinical testing. Allele origin: germline.

GeneDx
Classification: Likely benign. Last evaluated: 2017-05-03. Review status: criteria provided, single submitter. Criteria: GeneDx Variant Classification (06012015). Collection method: clinical testing. Allele origin: germline. Affected: yes.
Comment: This variant is considered likely benign or benign based on one or more of the following criteria: it is a conservative change, it occurs at a poorly conserved position in the protein, it is predicted to be benign by multiple in silico algorithms, and/or has population frequency not consistent with disease.

NM_004870.4(MPDU1):c.648C>T (p.Thr216=)

Gene: MPDU1 (mannose-P-dolichol utilization defect 1; plus strand). Cytogenetic location: 17p13.1.
Variant type: single nucleotide variant.
Coding change: c.648C>T on transcript NM_004870.4 (MANE Select); coding-DNA position 648, C replaced by T.
Protein change: p.Thr216=; no amino-acid change (threonine 216 retained).
Molecular consequence: synonymous variant. On other transcripts: 3 prime UTR variant (1), non-coding transcript variant (1).
Genome position (GRCh38, 1-based): chr17:7,587,455, C>T. VCF-style: chr17-7587455-C-T. GRCh37 (hg19) VCF-style: chr17-7490773-C-T.
Other names: c.*11C>T (NM_001330073.1).
Identifiers: ClinVar variation 509198 (VCV000509198.5), dbSNP rs760109502, ClinGen allele CA8353029.